The following is an entry in ClinVar:

NM_006182.4(DDR2):c.1513G>A (p.Gly505Ser)

Gene: DDR2 (discoidin domain receptor tyrosine kinase 2; plus strand). Cytogenetic location: 1q23.3.
Variant type: single nucleotide variant.
Coding change: c.1513G>A on transcript NM_006182.4 (MANE Select); coding-DNA position 1513, G replaced by A.
Protein change: p.Gly505Ser; replaces glycine 505 with serine.
Molecular consequence: missense variant.
Genome position (GRCh38, 1-based): chr1:162,772,032, G>A. VCF-style: chr1-162772032-G-A. GRCh37 (hg19) VCF-style: chr1-162741822-G-A.
Other names: c.1513G>A, p.Gly505Ser (LRG_1390t1, NM_001014796.3, NM_001354982.2 and 1 more transcripts); short protein forms G505S.
Identifiers: ClinVar variation 282994 (VCV000282994.16), dbSNP rs115169993, ClinGen allele CA1217584.
Genomic context (GRCh38, chr1:162,772,032, plus strand): 5'-GATCTCCAAAGACACTCCACGGAATGAGGGCTCGTTGCCCTTGTCTTCCCAGGCTGCAGC[G>A]GTGTTGTGAAGCCAGTCCAGCCCAGTGGCCCTGAGGGGGTGCCCCACTATGCAGAGGCTG-3'
Protein context (NP_006173.2, residues 495-515): APGEEESGCS[Gly505Ser]VVKPVQPSGP

ClinVar aggregate classification (germline): Conflicting classifications of pathogenicity. Review status: criteria provided, conflicting classifications (1 of 4 stars). 5 submissions from 5 submitters: Uncertain significance (1); Benign (3). 1 of the submissions does not count toward it. Last evaluated 2025-12-23.

Conditions:
DDR2-related disorder. Also called: DDR2-related condition.
Warburg-cinotti syndrome. Identifiers: MedGen C5193019, MONDO:0032579, OMIM 618175.

Allele frequency attached by ClinVar (database versions not stated): gnomAD exomes 0.00025 and 0.00078; ExAC 0.00148; 1000 Genomes Project 30x 0.00265; gnomAD 0.00268 and 0.00292; 1000 Genomes Project 0.00280; ESP Exome Variant Server 0.00292; TOPMed 0.00299.
gnomAD v4.1: 770 of 1,607,024 alleles (0.048%); highest among the groups gnomAD compares: African/African-American, 0.91%; 3 homozygotes.

Submissions (5):

Labcorp Genetics (formerly Invitae), Labcorp
Classification: Benign. Last evaluated: 2025-12-23. Review status: criteria provided, single submitter. Criteria: Invitae Variant Classification Sherloc (09022015). Collection method: clinical testing. Allele origin: germline.

Department of Pathology and Laboratory Medicine, Sinai Health System
Classification: Uncertain significance for warburg-cinotti syndrome. Last evaluated: 2023-04-03. Review status: criteria provided, single submitter. Criteria: ACMG Guidelines, 2015. Collection method: research. Allele origin: germline.

Eurofins Ntd Llc (ga)
Classification: Benign. Last evaluated: 2015-09-15. Review status: criteria provided, single submitter. Criteria: EGL Classification Definitions 2015. Collection method: clinical testing. Allele origin: germline. Observed: 1 variant allele, 1 heterozygote.

Breakthrough Genomics
Classification: Benign. Review status: criteria provided, single submitter. Criteria: ACMG Guidelines, 2015. Collection method: not provided. Allele origin: germline. Inheritance: Autosomal recessive inheritance. Affected: yes.

PreventionGenetics, part of Exact Sciences
Classification: Likely benign for DDR2-related condition. Last evaluated: 2022-11-21. Review status: no assertion criteria provided. Collection method: clinical testing. Allele origin: germline. Not counted in ClinVar's aggregate classification.
Comment: This variant is classified as likely benign based on ACMG/AMP sequence variant interpretation guidelines (Richards et al. 2015 PMID: 25741868, with internal and published modifications).